The following is an entry in ClinVar:

ClinVar aggregate classification (germline): Uncertain significance. Review status: criteria provided, multiple submitters, no conflicts (2 of 4 stars). 2 submissions from 2 submitters: Uncertain significance (2). Last evaluated 2023-05-24.

Conditions:
Inborn genetic diseases. Identifiers: MedGen C0950123, MeSH D030342.

Allele frequency attached by ClinVar (database versions not stated): ExAC 0.00002; gnomAD 0.00002; TOPMed 0.00003; gnomAD exomes 0.00006.
gnomAD v4.1: 86 of 1,612,648 alleles (0.0053%); highest among the groups gnomAD compares: Non-Finnish European, 0.0071%; no homozygotes.

Submissions (2):

Ambry Genetics
Classification: Uncertain significance for Inborn genetic diseases. Last evaluated: 2023-05-24. Review status: criteria provided, single submitter. Criteria: Ambry Variant Classification Scheme 2023. Collection method: clinical testing. Allele origin: germline.

Labcorp Genetics (formerly Invitae), Labcorp
Classification: Uncertain significance. Last evaluated: 2022-05-06. Review status: criteria provided, single submitter. Criteria: Invitae Variant Classification Sherloc (09022015). Collection method: clinical testing. Allele origin: germline.
Comment: This sequence change replaces cysteine, which is neutral and slightly polar, with glycine, which is neutral and non-polar, at codon 654 of the PNPLA8 protein (p.Cys654Gly). This variant is present in population databases (rs770204334, gnomAD 0.008%). This variant has not been reported in the literature in individuals affected with PNPLA8-related conditions. Algorithms developed to predict the effect of missense changes on protein structure and function are either unavailable or do not agree on the potential impact of this missense change (SIFT: "Deleterious"; PolyPhen-2: "Probably Damaging"; Align-GVGD: "Class C0"). In summary, the available evidence is currently insufficient to determine the role of this variant in disease. Therefore, it has been classified as a Variant of Uncertain Significance.

NM_001256007.3(PNPLA8):c.1960T>G (p.Cys654Gly)

Gene: PNPLA8 (patatin like domain 8, phospholipase A2; minus strand). Cytogenetic location: 7q31.1.
Variant type: single nucleotide variant.
Coding change: c.1960T>G on transcript NM_001256007.3 (MANE Select); coding-DNA position 1960, T replaced by G.
Protein change: p.Cys654Gly; replaces cysteine 654 with glycine.
Molecular consequence: missense variant.
Genome position (GRCh38, 1-based): chr7:108,479,298, A>C on the plus strand (T>G on the coding strand, the complement: PNPLA8 is on the minus strand). VCF-style: chr7-108479298-A-C. GRCh37 (hg19) VCF-style: chr7-108119742-A-C.
Other names: c.1960T>G, p.Cys654Gly (NM_001256008.3, NM_015723.5); c.1774T>G, p.Cys592Gly (NM_001256009.3); c.1660T>G, p.Cys554Gly (NM_001256010.3, NM_001256011.3); c.1960T>G (NM_015723.2); short protein forms C554G, C592G, C654G.
Identifiers: ClinVar variation 1969522 (VCV001969522.5), dbSNP rs770204334, ClinGen allele CA4439417.